The following is an entry in ClinVar:

ClinVar aggregate classification (germline): Uncertain significance (1 of 4 stars; one submission).

Submission:

Labcorp Genetics (formerly Invitae), Labcorp
Classification: Uncertain significance. Last evaluated: 2024-02-29. Review status: criteria provided, single submitter. Criteria: Invitae Variant Classification Sherloc (09022015). Collection method: clinical testing. Allele origin: germline.
Comment: This sequence change replaces valine, which is neutral and non-polar, with phenylalanine, which is neutral and non-polar, at codon 450 of the CTNNA1 protein (p.Val450Phe). This variant is not present in population databases (gnomAD no frequency). This variant has not been reported in the literature in individuals affected with CTNNA1-related conditions. Advanced modeling of protein sequence and biophysical properties (such as structural, functional, and spatial information, amino acid conservation, physicochemical variation, residue mobility, and thermodynamic stability) has been performed at Invitae for this missense variant, however the output from this modeling did not meet the statistical confidence thresholds required to predict the impact of this variant on CTNNA1 protein function. In summary, the available evidence is currently insufficient to determine the role of this variant in disease. Therefore, it has been classified as a Variant of Uncertain Significance.

NM_001903.5(CTNNA1):c.1348G>T (p.Val450Phe)

Gene: CTNNA1 (catenin alpha 1; plus strand). Cytogenetic location: 5q31.2.
Variant type: single nucleotide variant.
Coding change: c.1348G>T on transcript NM_001903.5 (MANE Select); coding-DNA position 1348, G replaced by T.
Protein change: p.Val450Phe; replaces valine 450 with phenylalanine.
Molecular consequence: missense variant. On other transcripts: 5 prime UTR variant (6), intron variant (3).
Genome position (GRCh38, 1-based): chr5:138,904,400, G>T. VCF-style: chr5-138904400-G-T. GRCh37 (hg19) VCF-style: chr5-138240089-G-T.
Other names: c.1348G>T, p.Val450Phe (NM_001290307.3, NM_001323982.2, NM_001323983.1 and 2 more transcripts); c.1039G>T, p.Val347Phe (NM_001290309.3); c.979G>T, p.Val327Phe (NM_001290310.3); c.238G>T, p.Val80Phe (NM_001290312.1, NM_001323987.1, NM_001323988.1 and 17 more transcripts); c.-160G>T (NM_001324006.1, NM_001324007.1, NM_001324008.1 and 1 more transcripts); c.-6G>T (NM_001324012.1, NM_001324013.1); c.1297-13342G>T (NM_001323986.2); c.187-13342G>T (NM_001324011.1); and 1 more; short protein forms V450F, V80F, V347F, V327F.
Identifiers: ClinVar variation 3643683 (VCV003643683.2).